The following is an entry in ClinVar:

NM_000264.5(PTCH1):c.2993G>A (p.Cys998Tyr)

Gene: PTCH1 (patched 1; minus strand). Cytogenetic location: 9q22.32.
Variant type: single nucleotide variant.
Coding change: c.2993G>A on transcript NM_000264.5 (MANE Select); coding-DNA position 2993, G replaced by A.
Protein change: p.Cys998Tyr; replaces cysteine 998 with tyrosine.
Molecular consequence: missense variant. On other transcripts: non-coding transcript variant (1).
Genome position (GRCh38, 1-based): chr9:95,458,188, C>T on the plus strand (G>A on the coding strand, the complement: PTCH1 is on the minus strand). VCF-style: chr9-95458188-C-T. GRCh37 (hg19) VCF-style: chr9-98220470-C-T.
Other names: c.2795G>A, p.Cys932Tyr (NM_001083602.3); c.2990G>A, p.Cys997Tyr (NM_001083603.3); c.2540G>A, p.Cys847Tyr (NM_001083604.3, NM_001083605.3, NM_001083606.3 and 1 more transcripts); c.2837G>A, p.Cys946Tyr (NM_001354918.2); short protein forms C997Y, C946Y, C847Y, C998Y, C932Y.
Identifiers: ClinVar variation 846086 (VCV000846086.10), dbSNP rs1839124943, ClinGen allele CA374112623.

ClinVar aggregate classification (germline): Uncertain significance (1 of 4 stars; one submission).

Conditions:
Gorlin syndrome. Also called: Nevoid Basal Cell Carcinoma Syndrome; Basal cell nevus syndrome. Identifiers: Orphanet 377, MedGen C0004779, MONDO:0007187.

Submission:

Labcorp Genetics (formerly Invitae), Labcorp
Classification: Uncertain significance for Gorlin syndrome. Last evaluated: 2019-03-27. Review status: criteria provided, single submitter. Criteria: Invitae Variant Classification Sherloc (09022015). Collection method: clinical testing. Allele origin: germline.
Comment: This sequence change replaces cysteine with tyrosine at codon 998 of the PTCH1 protein (p.Cys998Tyr). The cysteine residue is moderately conserved and there is a large physicochemical difference between cysteine and tyrosine. This variant is not present in population databases (ExAC no frequency). This variant has not been reported in the literature in individuals with PTCH1-related conditions. Algorithms developed to predict the effect of missense changes on protein structure and function are either unavailable or do not agree on the potential impact of this missense change (SIFT: "Deleterious"; PolyPhen-2: "Probably Damaging"; Align-GVGD: "Class C0"). In summary, the available evidence is currently insufficient to determine the role of this variant in disease. Therefore, it has been classified as a Variant of Uncertain Significance.